The following is an entry in ClinVar:

NM_006231.4(POLE):c.5423A>G (p.Gln1808Arg)

Gene: POLE (DNA polymerase epsilon, catalytic subunit; minus strand). Cytogenetic location: 12q24.33.
Variant type: single nucleotide variant.
Coding change: c.5423A>G on transcript NM_006231.4 (MANE Select); coding-DNA position 5423, A replaced by G.
Protein change: p.Gln1808Arg; replaces glutamine 1808 with arginine.
Molecular consequence: missense variant.
Genome position (GRCh38, 1-based): chr12:132,639,254, T>C on the plus strand (A>G on the coding strand, the complement: POLE is on the minus strand). VCF-style: chr12-132639254-T-C. GRCh37 (hg19) VCF-style: chr12-133215840-T-C.
Other names: short protein forms Q1808R.
Identifiers: ClinVar variation 405686 (VCV000405686.13), dbSNP rs1060500811, ClinGen allele CA16613604.

ClinVar aggregate classification (germline): Uncertain significance. Review status: criteria provided, multiple submitters, no conflicts (2 of 4 stars). 2 submissions from 2 submitters: Uncertain significance (2). Last evaluated 2025-09-13.

Conditions:
Hereditary cancer-predisposing syndrome. Also called: Hereditary Cancer Syndrome; Hereditary neoplastic syndrome; Neoplastic Syndromes, Hereditary; Tumor predisposition. Identifiers: Orphanet 140162, MedGen C0027672, MeSH D009386, MONDO:0015356.

Allele frequency attached by ClinVar (database versions not stated): gnomAD exomes below 0.00001.

Submissions (2):

Labcorp Genetics (formerly Invitae), Labcorp
Classification: Uncertain significance. Last evaluated: 2025-09-13. Review status: criteria provided, single submitter. Criteria: Invitae Variant Classification Sherloc (09022015). Collection method: clinical testing. Allele origin: germline.
Comment: This sequence change replaces glutamine, which is neutral and polar, with arginine, which is basic and polar, at codon 1808 of the POLE protein (p.Gln1808Arg). This variant is not present in population databases (gnomAD no frequency). This variant has not been reported in the literature in individuals affected with POLE-related conditions. ClinVar contains an entry for this variant (Variation ID: 405686). Invitae Evidence Modeling of protein sequence and biophysical properties (such as structural, functional, and spatial information, amino acid conservation, physicochemical variation, residue mobility, and thermodynamic stability) indicates that this missense variant is not expected to disrupt POLE protein function with a negative predictive value of 80%. In summary, the available evidence is currently insufficient to determine the role of this variant in disease. Therefore, it has been classified as a Variant of Uncertain Significance.

Ambry Genetics
Classification: Uncertain significance for Hereditary cancer-predisposing syndrome. Last evaluated: 2025-06-13. Review status: criteria provided, single submitter. Criteria: Ambry Variant Classification Scheme 2023. Collection method: clinical testing. Allele origin: germline.
Comment: The p.Q1808R variant (also known as c.5423A>G), located in coding exon 40 of the POLE gene, results from an A to G substitution at nucleotide position 5423. The glutamine at codon 1808 is replaced by arginine, an amino acid with highly similar properties. This amino acid position is conserved. In addition, the in silico prediction for this alteration is inconclusive. Since supporting evidence is limited at this time, the clinical significance of this alteration remains unclear.